The following is an entry in ClinVar:

NM_003361.4(UMOD):c.1124G>A (p.Arg375Gln)

Gene: UMOD (uromodulin; minus strand). Cytogenetic location: 16p12.3.
Variant type: single nucleotide variant.
Coding change: c.1124G>A on transcript NM_003361.4 (MANE Select); coding-DNA position 1124, G replaced by A.
Protein change: p.Arg375Gln; replaces arginine 375 with glutamine.
Molecular consequence: missense variant. On other transcripts: non-coding transcript variant (1).
Genome position (GRCh38, 1-based): chr16:20,346,184, C>T on the plus strand (G>A on the coding strand, the complement: UMOD is on the minus strand). VCF-style: chr16-20346184-C-T. GRCh37 (hg19) VCF-style: chr16-20357506-C-T.
Other names: c.1124G>A, p.Arg375Gln (NM_001008389.3, NM_001378232.1, NM_001378233.1 and 3 more transcripts); c.1223G>A, p.Arg408Gln (NM_001278614.2); short protein forms R408Q, R375Q.
Identifiers: ClinVar variation 775371 (VCV000775371.41), dbSNP rs151061376, ClinGen allele CA7939295.

ClinVar aggregate classification (germline): Benign/Likely benign. Review status: criteria provided, multiple submitters, no conflicts (2 of 4 stars). 4 submissions from 4 submitters: Benign (3); Likely benign (1). Last evaluated 2026-08-01.

Conditions:
Familial juvenile hyperuricemic nephropathy type 1 (ADTKD1). Also called: UMOD-Associated Kidney Disease; Uromodulin-associated kidney disease; Autosomal Dominant Tubulointerstitial Kidney Disease – UMOD; Glomerulocystic kidney disease with hyperuricemia and isosthenuria; Medullary cystic kidney disease 2. Identifiers: Orphanet 209886, Orphanet 34149, Orphanet 88950, MedGen C4551496, MONDO:0008073, OMIM 162000.

Allele frequency attached by ClinVar (database versions not stated): gnomAD 0.00021 and 0.00029; TOPMed 0.00043; ESP Exome Variant Server 0.00046; gnomAD exomes 0.00047 and 0.00076; ExAC 0.00077; 1000 Genomes Project 0.00140; 1000 Genomes Project 30x 0.00172.
gnomAD v4.1: 738 of 1,614,224 alleles (0.046%); highest among the groups gnomAD compares: Middle Eastern, 0.55%; 5 homozygotes.

Submissions (4):

CeGaT Center for Human Genetics Tuebingen
Classification: Likely benign. Last evaluated: 2026-08-01. Review status: criteria provided, single submitter. Criteria: CeGaT Center For Human Genetics Tuebingen Variant Classification Criteria Version 2. Collection method: clinical testing. Allele origin: germline. Affected: yes. Observed: 3 variant alleles.
Comment: UMOD: BP4, BS1

Labcorp Genetics (formerly Invitae), Labcorp
Classification: Benign. Last evaluated: 2025-12-29. Review status: criteria provided, single submitter. Criteria: Invitae Variant Classification Sherloc (09022015). Collection method: clinical testing. Allele origin: germline.

Illumina Laboratory Services, Illumina
Classification: Benign for UMOD-Associated Kidney Disease. Last evaluated: 2017-04-28. Review status: criteria provided, single submitter. Criteria: ICSL Variant Classification Criteria 13 December 2019. Collection method: clinical testing. Allele origin: germline.
Comment: This variant was observed as part of a predisposition screen in an ostensibly healthy population. A literature search was performed for the gene, cDNA change, and amino acid change (where applicable). No publications were found based on this search. Allele frequency data from public databases was too high to be consistent with this variant causing disease. Therefore, this variant is classified as benign.

Breakthrough Genomics
Classification: Benign. Review status: criteria provided, single submitter. Criteria: ACMG Guidelines, 2015. Collection method: not provided. Allele origin: germline. Inheritance: Autosomal dominant inheritance. Affected: yes.